The following is an entry in ClinVar:

ClinVar aggregate classification (germline): Uncertain significance (1 of 4 stars; one submission).

Submission:

Labcorp Genetics (formerly Invitae), Labcorp
Classification: Uncertain significance. Last evaluated: 2025-03-31. Review status: criteria provided, single submitter. Criteria: Invitae Variant Classification Sherloc (09022015). Collection method: clinical testing. Allele origin: germline.
Comment: This variant occurs in a non-coding region of the EYS gene. It does not change the encoded amino acid sequence of the EYS protein. This variant is not present in population databases (gnomAD no frequency). This variant has not been reported in the literature in individuals affected with EYS-related conditions. ClinVar contains an entry for this variant (Variation ID: 1376945). Experimental studies and prediction algorithms are not available or were not evaluated, and the functional significance of this variant is currently unknown. In summary, the available evidence is currently insufficient to determine the role of this variant in disease. Therefore, it has been classified as a Variant of Uncertain Significance.

NM_001142800.2(EYS):c.-532A>C

Gene: EYS (EGF-like photoreceptor maintenance factor; minus strand). Cytogenetic location: 6q12.
Variant type: single nucleotide variant.
Coding change: c.-532A>C on transcript NM_001142800.2 (MANE Select); 532 bases upstream of the start codon, A replaced by C.
Molecular consequence: 5 prime UTR variant.
Genome position (GRCh38, 1-based): chr6:65,707,219, T>G on the plus strand (A>C on the coding strand, the complement: EYS is on the minus strand). VCF-style: chr6-65707219-T-G. GRCh37 (hg19) VCF-style: chr6-66417112-T-G.
Other names: c.-532A>C (NM_001142801.2, NM_001292009.2).
Identifiers: ClinVar variation 1376945 (VCV001376945.6), dbSNP rs1769913208, ClinGen allele CA2573141207.